The following is an entry in ClinVar:

ClinVar aggregate classification (germline): Uncertain significance (1 of 4 stars; one submission).

Conditions:
Epidermolysis bullosa simplex 5C, with pyloric atresia (EBS5C). Also called: PLEC1-Related Epidermolysis Bullosa with Pyloric Atresia; Epidermolysis bullosa simplex with pyloric atresia; PLEC-Related Epidermolysis Bullosa with Pyloric Atresia. Identifiers: Orphanet 158684, MedGen C2677349, MONDO:0012807, OMIM 612138.
Epidermolysis bullosa simplex 5B, with muscular dystrophy (EBS5B). Also called: EPIDERMOLYSIS BULLOSA SIMPLEX AND LIMB-GIRDLE MUSCULAR DYSTROPHY; Epidermolysis bullosa simplex with muscular dystrophy. Identifiers: Orphanet 257, MedGen C2931072, MONDO:0009181, OMIM 226670.
Epidermolysis bullosa simplex with nail dystrophy (EBS5D). Identifiers: MedGen C4225309, MONDO:0014661, OMIM 616487.
Epidermolysis bullosa simplex, Ogna type (EBS5A). Also called: Pidermolysis bullosa simplex 5A, Ogna type; EPIDERMOLYSIS BULLOSA SIMPLEX 5A, OGNA TYPE. Identifiers: Orphanet 79401, MedGen C0432317, MONDO:0007555, OMIM 131950.
Autosomal recessive limb-girdle muscular dystrophy type 2Q (LGMDR17). Also called: MUSCULAR DYSTROPHY, LIMB-GIRDLE, AUTOSOMAL RECESSIVE 17. Identifiers: Orphanet 254361, MedGen C3150989, MONDO:0013390, OMIM 613723.

Allele frequency attached by ClinVar (database versions not stated): gnomAD exomes below 0.00001; TOPMed below 0.00001.
gnomAD v4.1: 3 of 1,613,158 alleles (0.00019%); highest among the groups gnomAD compares: Non-Finnish European, 0.00017%; no homozygotes.

Submission:

Labcorp Genetics (formerly Invitae), Labcorp
Classification: Uncertain significance for Autosomal recessive limb-girdle muscular dystrophy type 2Q; Epidermolysis bullosa simplex, Ogna type; Epidermolysis bullosa simplex with nail dystrophy; Epidermolysis bullosa simplex 5C, with pyloric atresia; Epidermolysis bullosa simplex 5B, with muscular dystrophy. Last evaluated: 2020-03-17. Review status: criteria provided, single submitter. Criteria: Invitae Variant Classification Sherloc (09022015). Collection method: clinical testing. Allele origin: germline.
Comment: This sequence change replaces serine with asparagine at codon 1338 of the PLEC protein (p.Ser1338Asn). The serine residue is moderately conserved and there is a small physicochemical difference between serine and asparagine. This variant is not present in population databases (ExAC no frequency). This variant has not been reported in the literature in individuals with PLEC-related conditions. Algorithms developed to predict the effect of missense changes on protein structure and function are either unavailable or do not agree on the potential impact of this missense change (SIFT: "Tolerated"; PolyPhen-2: "Not Available"; Align-GVGD: "Class C0"). In summary, the available evidence is currently insufficient to determine the role of this variant in disease. Therefore, it has been classified as a Variant of Uncertain Significance.

NM_201384.3(PLEC):c.3932G>A (p.Ser1311Asn)

Gene: PLEC (plectin; minus strand). Cytogenetic location: 8q24.3.
Variant type: single nucleotide variant.
Coding change: c.3932G>A on transcript NM_201384.3 (MANE Select); coding-DNA position 3932, G replaced by A.
Protein change: p.Ser1311Asn; replaces serine 1311 with asparagine.
Molecular consequence: missense variant.
Genome position (GRCh38, 1-based): chr8:143,926,990, C>T on the plus strand (G>A on the coding strand, the complement: PLEC is on the minus strand). VCF-style: chr8-143926990-C-T. GRCh37 (hg19) VCF-style: chr8-145001158-C-T.
Other names: c.4013G>A, p.Ser1338Asn (NM_000445.5); c.3890G>A, p.Ser1297Asn (NM_201378.4); c.3866G>A, p.Ser1289Asn (NM_201379.3); c.4343G>A, p.Ser1448Asn (NM_201380.4); c.3836G>A, p.Ser1279Asn (NM_201381.3); c.3932G>A, p.Ser1311Asn (NM_201382.4); c.3944G>A, p.Ser1315Asn (NM_201383.3); short protein forms S1289N, S1297N, S1311N, S1315N, S1338N, S1448N, S1279N.
Identifiers: ClinVar variation 1035272 (VCV001035272.5), dbSNP rs1028404534, ClinGen allele CA187617955.